The following is an entry in ClinVar:

ClinVar aggregate classification (germline): Uncertain significance (1 of 4 stars; one submission).

gnomAD v4.1: 45 of 1,613,816 alleles (0.0028%); highest among the groups gnomAD compares: South Asian, 0.045%; no homozygotes.

Submission:

Labcorp Genetics (formerly Invitae), Labcorp
Classification: Uncertain significance. Last evaluated: 2024-02-15. Review status: criteria provided, single submitter. Criteria: Invitae Variant Classification Sherloc (09022015). Collection method: clinical testing. Allele origin: germline.
Comment: This sequence change replaces isoleucine, which is neutral and non-polar, with valine, which is neutral and non-polar, at codon 363 of the SLC26A4 protein (p.Ile363Val). This variant is present in population databases (rs141158498, gnomAD 0.05%). This missense change has been observed in individual(s) with congenital deafness (PMID: 26188157). Advanced modeling of protein sequence and biophysical properties (such as structural, functional, and spatial information, amino acid conservation, physicochemical variation, residue mobility, and thermodynamic stability) has been performed at Invitae for this missense variant, however the output from this modeling did not meet the statistical confidence thresholds required to predict the impact of this variant on SLC26A4 protein function. In summary, the available evidence is currently insufficient to determine the role of this variant in disease. Therefore, it has been classified as a Variant of Uncertain Significance.

Literature cited by the submitters: PubMed 26188157.

NM_000441.2(SLC26A4):c.1087A>G (p.Ile363Val)

Gene: SLC26A4 (solute carrier family 26 member 4; plus strand). Cytogenetic location: 7q22.3.
Variant type: single nucleotide variant.
Coding change: c.1087A>G on transcript NM_000441.2 (MANE Select); coding-DNA position 1087, A replaced by G.
Protein change: p.Ile363Val; replaces isoleucine 363 with valine.
Molecular consequence: missense variant.
Genome position (GRCh38, 1-based): chr7:107,689,138, A>G. VCF-style: chr7-107689138-A-G. GRCh37 (hg19) VCF-style: chr7-107329583-A-G.
Other names: short protein forms I363V.
Identifiers: ClinVar variation 3720766 (VCV003720766.1).